The following is an entry in ClinVar:

NM_000080.4(CHRNE):c.1216A>G (p.Thr406Ala)

Genes: CHRNE (cholinergic receptor nicotinic epsilon subunit; minus strand), LOC130060040 (ATAC-STARR-seq lymphoblastoid silent region 8049; plus strand). Cytogenetic location: 17p13.2.
Variant type: single nucleotide variant.
Coding change: c.1216A>G on transcript NM_000080.4 (MANE Select); coding-DNA position 1216, A replaced by G.
Protein change: p.Thr406Ala; replaces threonine 406 with alanine.
Molecular consequence: missense variant.
Genome position (GRCh38, 1-based): chr17:4,899,201, T>C on the plus strand (A>G on the coding strand, the complement: CHRNE is on the minus strand). VCF-style: chr17-4899201-T-C. GRCh37 (hg19) VCF-style: chr17-4802496-T-C.
Other names: short protein forms T406A.
Identifiers: ClinVar variation 4799017 (VCV004799017.1).

ClinVar aggregate classification (germline): Uncertain significance (1 of 4 stars; one submission).

Conditions:
Congenital myasthenic syndrome 4A. Also called: Myasthenic syndrome, congenital, 4a, slow-channel; MYASTHENIC SYNDROME, CONGENITAL, 4A, SLOW-CHANNEL, AUTOSOMAL RECESSIVE; CONGENITAL MYASTHENIC SYNDROME TYPE Ia1. Identifiers: Orphanet 590, MedGen C4225413, MONDO:0011600, OMIM 605809.

gnomAD v4.1: 40 of 1,603,950 alleles (0.0025%); highest among the groups gnomAD compares: Non-Finnish European, 0.0032%; no homozygotes.

Submission:

Labcorp Genetics (formerly Invitae), Labcorp
Classification: Uncertain significance for Congenital myasthenic syndrome 4A. Last evaluated: 2025-04-11. Review status: criteria provided, single submitter. Criteria: Invitae Variant Classification Sherloc (09022015). Collection method: clinical testing. Allele origin: germline.
Comment: This sequence change replaces threonine, which is neutral and polar, with alanine, which is neutral and non-polar, at codon 406 of the CHRNE protein (p.Thr406Ala). This variant is not present in population databases (gnomAD no frequency). This variant has not been reported in the literature in individuals affected with CHRNE-related conditions. Invitae Evidence Modeling of protein sequence and biophysical properties (such as structural, functional, and spatial information, amino acid conservation, physicochemical variation, residue mobility, and thermodynamic stability) indicates that this missense variant is not expected to disrupt CHRNE protein function with a negative predictive value of 95%. In summary, the available evidence is currently insufficient to determine the role of this variant in disease. Therefore, it has been classified as a Variant of Uncertain Significance.